The following is an entry in ClinVar:

NM_145207.3(AFG2A):c.1334+6_1334+9del

Gene: AFG2A (AAA ATPase AFG2A; plus strand). Cytogenetic location: 4q28.1.
Variant type: Deletion.
Coding change: c.1334+6_1334+9del on transcript NM_145207.3 (MANE Select); bases 6 to 9 of the intron after coding-DNA position 1334, 4 bases deleted (CTTT; older notation c.1334+6_1334+9delCTTT).
Molecular consequence: intron variant.
Genome position (GRCh38, 1-based): chr4:122,936,162-122,936,165, CTTT deleted; deleting any 4 consecutive bases within chr4:122,936,161-122,936,165 gives the same sequence; the c. name uses the placement nearest the transcript's 3' end. VCF-style (leftmost placement, unchanged base first): chr4-122936160-CTCTT-C. GRCh37 (hg19) VCF-style: chr4-123857315-CTCTT-C.
Other names: c.1331+6_1331+9del (NM_001345856.2, NM_001317799.2); c.1334+6_1334+9del (NM_145207.2).
Identifiers: ClinVar variation 475718 (VCV000475718.17), dbSNP rs752274594, ClinGen allele CA3070427.

ClinVar aggregate classification (germline): Likely benign. Review status: criteria provided, multiple submitters, no conflicts (2 of 4 stars). 3 submissions from 3 submitters: Likely benign (3). Last evaluated 2026-02-03.

Conditions:
Microcephaly-intellectual disability-sensorineural hearing loss-epilepsy-abnormal muscle tone syndrome (NEDHSB). Also called: NEURODEVELOPMENTAL DISORDER WITH HEARING LOSS, SEIZURES, AND BRAIN ABNORMALITIES. Identifiers: Orphanet 457351, MedGen C4225276, MONDO:0014698, OMIM 616577.

Submissions (3):

Labcorp Genetics (formerly Invitae), Labcorp
Classification: Likely benign for Microcephaly-intellectual disability-sensorineural hearing loss-epilepsy-abnormal muscle tone syndrome. Last evaluated: 2026-02-03. Review status: criteria provided, single submitter. Criteria: Invitae Variant Classification Sherloc (09022015). Collection method: clinical testing. Allele origin: germline.

GeneDx
Classification: Likely benign. Last evaluated: 2023-01-26. Review status: criteria provided, single submitter. Criteria: GeneDx Variant Classification Process June 2021. Collection method: clinical testing. Allele origin: germline. Affected: yes.
Comment: See Variant Classification Assertion Criteria.

Blueprint Genetics
Classification: Likely benign. Last evaluated: 2022-04-03. Review status: criteria provided, single submitter. Criteria: ACMG Guidelines, 2015. Collection method: clinical testing. Allele origin: germline.